The following is an entry in ClinVar:

NM_016333.4(SRRM2):c.4027A>C (p.Met1343Leu)

Gene: SRRM2 (serine/arginine repetitive matrix 2; plus strand). Cytogenetic location: 16p13.3.
Variant type: single nucleotide variant.
Coding change: c.4027A>C on transcript NM_016333.4 (MANE Select); coding-DNA position 4027, A replaced by C.
Protein change: p.Met1343Leu; replaces methionine 1343 with leucine.
Molecular consequence: missense variant.
Genome position (GRCh38, 1-based): chr16:2,764,555, A>C. VCF-style: chr16-2764555-A-C. GRCh37 (hg19) VCF-style: chr16-2814556-A-C.
Other names: short protein forms M1343L.
Identifiers: ClinVar variation 5041840 (VCV005041840.1).

ClinVar aggregate classification (germline): Likely benign (1 of 4 stars; one submission).

Submission:

CeGaT Center for Human Genetics Tuebingen
Classification: Likely benign. Last evaluated: 2026-09-01. Review status: criteria provided, single submitter. Criteria: CeGaT Center For Human Genetics Tuebingen Variant Classification Criteria Version 2. Collection method: clinical testing. Allele origin: germline. Affected: yes. Observed: 1 variant allele.
Comment: SRRM2: BP4